The following is an entry in ClinVar:

NM_080732.4(EGLN2):c.1149C>T (p.Ala383=)

Genes: EGLN2 (egl-9 family hypoxia inducible factor 2; plus strand), RAB4B-EGLN2 (RAB4B-EGLN2 readthrough (NMD candidate); plus strand). Cytogenetic location: 19q13.2.
Variant type: single nucleotide variant.
Coding change: c.1149C>T on transcript NM_080732.4 (MANE Select); coding-DNA position 1149, C replaced by T.
Protein change: p.Ala383=; no amino-acid change (alanine 383 retained).
Molecular consequence: synonymous variant. On other transcripts: non-coding transcript variant (1).
Genome position (GRCh38, 1-based): chr19:40,807,532, C>T. VCF-style: chr19-40807532-C-T. GRCh37 (hg19) VCF-style: chr19-41313437-C-T.
Other names: p.Ala383=; c.1149C>T, p.Ala383= (NM_053046.4).
Identifiers: ClinVar variation 775411 (VCV000775411.8), dbSNP rs34636581, ClinGen allele CA9452444.

ClinVar aggregate classification (germline): Benign/Likely benign. Review status: criteria provided, multiple submitters, no conflicts (2 of 4 stars). 4 submissions from 4 submitters: Benign (3); Likely benign (1). Last evaluated 2023-06-09.

Allele frequency attached by ClinVar (database versions not stated): ESP Exome Variant Server 0.00323; gnomAD exomes 0.00547 and 0.00779; TOPMed 0.00314; gnomAD 0.00441 and 0.00355; 1000 Genomes Project 30x 0.00718; ExAC 0.00799; 1000 Genomes Project 0.00659.

Submissions (4):

Mayo Clinic Laboratories, Mayo Clinic
Classification: Benign. Last evaluated: 2023-06-09. Review status: criteria provided, single submitter. Criteria: ACMG Guidelines, 2015. Collection method: clinical testing. Allele origin: germline. Observed: 4 variant alleles.
Comment: BS1, BS2, BP4, BP7

Ambry Genetics
Classification: Likely benign. Last evaluated: 2022-02-12. Review status: criteria provided, single submitter. Criteria: Ambry Variant Classification Scheme 2023. Collection method: clinical testing. Allele origin: germline.

Labcorp Genetics (formerly Invitae), Labcorp
Classification: Benign. Last evaluated: 2019-12-31. Review status: criteria provided, single submitter. Criteria: Invitae Variant Classification Sherloc (09022015). Collection method: clinical testing. Allele origin: germline.

Breakthrough Genomics
Classification: Benign. Review status: criteria provided, single submitter. Criteria: ACMG Guidelines, 2015. Collection method: not provided. Allele origin: germline. Inheritance: Unknown mechanism. Affected: yes.